The following is an entry in ClinVar:

NM_178857.6(RP1L1):c.3132A>G (p.Gln1044=)

Gene: RP1L1 (RP1 like 1). Cytogenetic location: 8p23.1.
Variant type: single nucleotide variant.
Coding change: c.3132A>G on transcript NM_178857.6 (MANE Select); coding-DNA position 3132, A replaced by G.
Protein change: p.Gln1044=; no amino-acid change (glutamine 1044 retained).
Molecular consequence: synonymous variant.
Genome position (GRCh38, 1-based): chr8:10,610,966, T>C on the plus strand (A>G on the coding strand, the complement: RP1L1 is on the minus strand). VCF-style: chr8-10610966-T-C. GRCh37 (hg19) VCF-style: chr8-10468476-T-C.
Identifiers: ClinVar variation 4977619 (VCV004977619.1).

ClinVar aggregate classification (germline): Likely benign (1 of 4 stars; one submission).

Conditions:
RP1L1-related disorder. Also called: RP1L1-related condition.

gnomAD v4.1: 12 of 1,612,150 alleles (0.00074%); highest among the groups gnomAD compares: African/African-American, 0.012%; no homozygotes.

Submission:

PreventionGenetics, part of Exact Sciences
Classification: Likely benign for RP1L1-related condition. Last evaluated: 2025-07-10. Review status: criteria provided, single submitter. Criteria: ACMG Guidelines, 2015. Collection method: clinical testing. Allele origin: germline.
Comment: This variant is classified as likely benign based on ACMG/AMP sequence variant interpretation guidelines (Richards et al. 2015 PMID: 25741868, with internal and published modifications).